The following is an entry in ClinVar:

ClinVar aggregate classification (germline): Benign/Likely benign. Review status: criteria provided, multiple submitters, no conflicts (2 of 4 stars). 4 submissions from 4 submitters: Benign (1); Likely benign (1). 2 of the submissions do not count toward it. Last evaluated 2026-03-01.

Allele frequency attached by ClinVar (database versions not stated): 1000 Genomes Project 0.00040; 1000 Genomes Project 30x 0.00047; TOPMed 0.00246; ESP Exome Variant Server 0.00254; gnomAD 0.00261 and 0.00274; gnomAD exomes 0.00315 and 0.00399; ExAC 0.00374.
gnomAD v4.1: 6,197 of 1,613,936 alleles (0.38%); highest among the groups gnomAD compares: Non-Finnish European, 0.48%; 25 homozygotes.

Submissions (4):

CeGaT Center for Human Genetics Tuebingen
Classification: Likely benign. Last evaluated: 2026-03-01. Review status: criteria provided, single submitter. Criteria: CeGaT Center For Human Genetics Tuebingen Variant Classification Criteria Version 2. Collection method: clinical testing. Allele origin: germline. Affected: yes. Observed: 3 variant alleles.
Comment: STAT4: BP4, BS2

Labcorp Genetics (formerly Invitae), Labcorp
Classification: Benign. Last evaluated: 2026-02-01. Review status: criteria provided, single submitter. Criteria: Invitae Variant Classification Sherloc (09022015). Collection method: clinical testing. Allele origin: germline.

Clinical Genetics DNA and cytogenetics Diagnostics Lab, Erasmus MC, Erasmus Medical Center
Classification: Likely benign. Review status: no assertion criteria provided. Collection method: clinical testing. Allele origin: germline. Affected: yes. Study: VKGL Data-share Consensus. Not counted in ClinVar's aggregate classification.

Genome Diagnostics Laboratory, University Medical Center Utrecht
Classification: Benign. Review status: no assertion criteria provided. Collection method: clinical testing. Allele origin: germline. Affected: yes. Study: VKGL Data-share Consensus. Not counted in ClinVar's aggregate classification.

NM_003151.4(STAT4):c.1338C>A (p.Thr446=)

Gene: STAT4 (signal transducer and activator of transcription 4; minus strand). Cytogenetic location: 2q32.2.
Variant type: single nucleotide variant.
Coding change: c.1338C>A on transcript NM_003151.4 (MANE Select); coding-DNA position 1338, C replaced by A.
Protein change: p.Thr446=; no amino-acid change (threonine 446 retained).
Molecular consequence: synonymous variant.
Genome position (GRCh38, 1-based): chr2:191,039,295, G>T on the plus strand (C>A on the coding strand, the complement: STAT4 is on the minus strand). VCF-style: chr2-191039295-G-T. GRCh37 (hg19) VCF-style: chr2-191904021-G-T.
Other names: c.1338C>A, p.Thr446= (NM_001243835.2).
Identifiers: ClinVar variation 715628 (VCV000715628.37), dbSNP rs144421302, ClinGen allele CA2030604.